The following is an entry in ClinVar:

ClinVar aggregate classification (germline): Uncertain significance (1 of 4 stars; one submission).

Conditions:
Inborn genetic diseases. Identifiers: MedGen C0950123, MeSH D030342.

Submission:

Ambry Genetics
Classification: Uncertain significance for Inborn genetic diseases. Last evaluated: 2025-02-14. Review status: criteria provided, single submitter. Criteria: Ambry Variant Classification Scheme 2023. Collection method: clinical testing. Allele origin: germline.
Comment: The p.L1688Q variant (also known as c.5063T>A), located in coding exon 34 of the ANKRD26 gene, results from a T to A substitution at nucleotide position 5063. The leucine at codon 1688 is replaced by glutamine, an amino acid with dissimilar properties. This amino acid position is conserved. In addition, this alteration is predicted to be tolerated by in silico analysis. Based on the available evidence, the clinical significance of this variant remains unclear.

NM_014915.3(ANKRD26):c.5063T>A (p.Leu1688Gln)

Gene: ANKRD26 (ankyrin repeat domain containing 26; minus strand). Cytogenetic location: 10p12.1.
Variant type: single nucleotide variant.
Coding change: c.5063T>A on transcript NM_014915.3 (MANE Select); coding-DNA position 5063, T replaced by A.
Protein change: p.Leu1688Gln; replaces leucine 1688 with glutamine.
Molecular consequence: missense variant.
Genome position (GRCh38, 1-based): chr10:27,005,660, A>T on the plus strand (T>A on the coding strand, the complement: ANKRD26 is on the minus strand). VCF-style: chr10-27005660-A-T. GRCh37 (hg19) VCF-style: chr10-27294589-A-T.
Other names: c.5060T>A, p.Leu1687Gln (NM_001256053.2); short protein forms L1687Q, L1688Q.
Identifiers: ClinVar variation 3871278 (VCV003871278.1).